The following is an entry in ClinVar:

NM_001384125.1(BLTP1):c.9222T>G (p.Asp3074Glu)

Gene: BLTP1 (bridge-like lipid transfer protein family member 1; plus strand). Cytogenetic location: 4q27.
Variant type: single nucleotide variant.
Coding change: c.9222T>G on transcript NM_001384125.1 (MANE Select); coding-DNA position 9222, T replaced by G.
Protein change: p.Asp3074Glu; replaces aspartic acid 3074 with glutamic acid.
Molecular consequence: missense variant.
Genome position (GRCh38, 1-based): chr4:122,286,725, T>G. VCF-style: chr4-122286725-T-G. GRCh37 (hg19) VCF-style: chr4-123207880-T-G.
Other names: c.9222T>G, p.Asp3074Glu (NM_015312.4); short protein forms D3074E.
Identifiers: ClinVar variation 1806311 (VCV001806311.2), dbSNP rs147165699, ClinGen allele CA104787201.

ClinVar aggregate classification (germline): Uncertain significance. Review status: criteria provided, multiple submitters, no conflicts (2 of 4 stars). 2 submissions from 2 submitters: Uncertain significance (2). Last evaluated 2026-03-03.

Conditions:
Alkuraya-Kucinskas syndrome. Identifiers: Orphanet 610569, MedGen C4693347, MONDO:0060631, OMIM 617822.

Allele frequency attached by ClinVar (database versions not stated): 1000 Genomes Project 30x 0.00031.
gnomAD v4.1: 19 of 1,614,006 alleles (0.0012%); highest among the groups gnomAD compares: Non-Finnish European, 0.0015%; no homozygotes.

Submissions (2):

Ambry Genetics
Classification: Uncertain significance. Last evaluated: 2026-03-03. Review status: criteria provided, single submitter. Criteria: Ambry Variant Classification Scheme 2023. Collection method: clinical testing. Allele origin: germline.
Comment: The c.9222T>G (p.D3074E) alteration is located in exon 51 (coding exon 51) of the KIAA1109 gene. This alteration results from a T to G substitution at nucleotide position 9222, causing the aspartic acid (D) at amino acid position 3074 to be replaced by a glutamic acid (E). Based on data from gnomAD, the G allele has an overall frequency of <0.001% (1/246946) total alleles studied. The highest observed frequency was 0.001% (1/110776) of European (non-Finnish) alleles. Based on insufficient or conflicting evidence, the clinical significance of this alteration remains unclear.

Victorian Clinical Genetics Services, Murdoch Childrens Research Institute
Classification: Uncertain significance for Alkuraya-Kucinskas syndrome. Last evaluated: 2020-05-21. Review status: criteria provided, single submitter. Criteria: ACMG Guidelines, 2015. Collection method: clinical testing. Allele origin: germline. Inheritance: Autosomal recessive inheritance.
Comment: A heterozygous missense variant was identified, NM_015312.3(KIAA1109):c.9222T>G in exon 51 of 84 of the KIAA1109 gene. This substitution is predicted to create a minor amino acid change from aspartic acid to glutamic acid at position 3074 of the protein, NP_056127.2(KIAA1109):p.(Asp3074Glu). The aspartic acid at this position has moderate conservation (100 vertebrates, UCSC), and is not situated in a known functional domain (PDB, NCBI). In silico software predictions of the pathogenicity of this variant are conflicting (PolyPhen, SIFT, CADD, MutationTaster). The variant is present in the gnomAD population database at a frequency of 0.0004% (1 heterozygote; 0 homozygotes). The variant has not previously been reported in clinical cases. Based on information available at the time of curation, this variant has been classified as a VARIANT of UNCERTAIN SIGNIFICANCE (VUS). Legend: (P) - Pathogenic, (N) - Neutral, (B) - Benign